The following is an entry in ClinVar:

ClinVar aggregate classification (germline): Uncertain significance (1 of 4 stars; one submission).

Conditions:
Fanconi anemia (FA). Also called: Fanconi's anemia. Identifiers: Orphanet 84, MedGen C0015625, MeSH D005199, MONDO:0019391.

Submission:

Labcorp Genetics (formerly Invitae), Labcorp
Classification: Uncertain significance for Fanconi anemia. Last evaluated: 2025-06-09. Review status: criteria provided, single submitter. Criteria: Invitae Variant Classification Sherloc (09022015). Collection method: clinical testing. Allele origin: germline.
Comment: This sequence change replaces lysine, which is basic and polar, with glutamic acid, which is acidic and polar, at codon 28 of the FANCG protein (p.Lys28Glu). This variant is not present in population databases (gnomAD no frequency). This variant has not been reported in the literature in individuals affected with FANCG-related conditions. An algorithm developed to predict the effect of missense changes on protein structure and function (PolyPhen-2) suggests that this variant is likely to be tolerated. In summary, the available evidence is currently insufficient to determine the role of this variant in disease. Therefore, it has been classified as a Variant of Uncertain Significance.

NM_004629.2(FANCG):c.82A>G (p.Lys28Glu)

Gene: FANCG (FA complementation group G; minus strand). Cytogenetic location: 9p13.3.
Variant type: single nucleotide variant.
Coding change: c.82A>G on transcript NM_004629.2 (MANE Select); coding-DNA position 82, A replaced by G.
Protein change: p.Lys28Glu; replaces lysine 28 with glutamic acid.
Molecular consequence: missense variant.
Genome position (GRCh38, 1-based): chr9:35,079,443, T>C on the plus strand (A>G on the coding strand, the complement: FANCG is on the minus strand). VCF-style: chr9-35079443-T-C. GRCh37 (hg19) VCF-style: chr9-35079440-T-C.
Other names: short protein forms K28E.
Identifiers: ClinVar variation 4707515 (VCV004707515.1).